The following is an entry in ClinVar:

ClinVar aggregate classification (germline): Uncertain significance. Review status: criteria provided, multiple submitters, no conflicts (2 of 4 stars). 5 submissions from 5 submitters: Uncertain significance (5). Last evaluated 2026-01-31.

Conditions:
Neuronopathy, distal hereditary motor, type 7B. Also called: NEURONOPATHY, DISTAL HEREDITARY MOTOR, AUTOSOMAL DOMINANT 14; NEURONOPATHY, DISTAL HEREDITARY MOTOR, HARDING TYPE VIIB; NEUROPATHY, DISTAL HEREDITARY MOTOR, HARDING TYPE VIIB; NEUROPATHY, DISTAL HEREDITARY MOTOR, WITH VOCAL CORD PARALYSIS, HARDING TYPE VIIB; HMN VIIB; Distal Hereditary Motor Neuronopathy Type 7B (dHMN7B). Identifiers: Orphanet 139589, MedGen C1843315, MONDO:0011879, OMIM 607641.
Perry syndrome. Also called: PARKINSONISM WITH ALVEOLAR HYPOVENTILATION AND MENTAL DEPRESSION. Identifiers: Orphanet 178509, MedGen C1868594, MONDO:0008201, OMIM 168605.
Amyotrophic lateral sclerosis type 1 (ALS1). Also called: AMYOTROPHIC LATERAL SCLEROSIS 1, FAMILIAL. Identifiers: Orphanet 803, MedGen C1862939, MONDO:0007103, OMIM 105400.
DCTN1-related disorder. Also called: DCTN1-related condition.
Inborn genetic diseases. Identifiers: MedGen C0950123, MeSH D030342.

Allele frequency attached by ClinVar (database versions not stated): ExAC 0.00003; gnomAD exomes 0.00005; gnomAD 0.00007; ESP Exome Variant Server 0.00008; TOPMed 0.00010.

Submissions (5):

Labcorp Genetics (formerly Invitae), Labcorp
Classification: Uncertain significance for Amyotrophic lateral sclerosis type 1; Neuronopathy, distal hereditary motor, type 7B; Perry syndrome. Last evaluated: 2026-01-31. Review status: criteria provided, single submitter. Criteria: Invitae Variant Classification Sherloc (09022015). Collection method: clinical testing. Allele origin: germline.
Comment: This sequence change replaces arginine, which is basic and polar, with cysteine, which is neutral and slightly polar, at codon 154 of the DCTN1 protein (p.Arg154Cys). This variant is present in population databases (rs141670992, gnomAD 0.01%). This variant has not been reported in the literature in individuals affected with DCTN1-related conditions. ClinVar contains an entry for this variant (Variation ID: 574723). Invitae Evidence Modeling of protein sequence and biophysical properties (such as structural, functional, and spatial information, amino acid conservation, physicochemical variation, residue mobility, and thermodynamic stability) indicates that this missense variant is not expected to disrupt DCTN1 protein function with a negative predictive value of 95%. In summary, the available evidence is currently insufficient to determine the role of this variant in disease. Therefore, it has been classified as a Variant of Uncertain Significance.

PreventionGenetics, part of Exact Sciences
Classification: Uncertain significance for DCTN1-related condition. Last evaluated: 2025-06-18. Review status: criteria provided, single submitter. Criteria: ACMG Guidelines, 2015. Collection method: clinical testing. Allele origin: germline.
Comment: The DCTN1 c.460C>T variant is predicted to result in the amino acid substitution p.Arg154Cys. To our knowledge, this variant has not been reported in the literature. This variant is reported in 0.0089% of alleles in individuals of Latino descent in gnomAD. At this time, the clinical significance of this variant is uncertain due to the absence of conclusive functional and genetic evidence.

Ambry Genetics
Classification: Uncertain significance for Inborn genetic diseases. Last evaluated: 2025-03-27. Review status: criteria provided, single submitter. Criteria: Ambry Variant Classification Scheme 2023. Collection method: clinical testing. Allele origin: germline.

Women's Health and Genetics/Laboratory Corporation of America, LabCorp
Classification: Uncertain significance. Last evaluated: 2024-06-21. Review status: criteria provided, single submitter. Criteria: LabCorp Variant Classification Summary - May 2015. Collection method: clinical testing. Allele origin: germline.
Comment: Variant summary: DCTN1 c.460C>T (p.Arg154Cys) results in a non-conservative amino acid change in the encoded protein sequence. Three of five in-silico tools predict a damaging effect of the variant on protein function. The variant allele was found at a frequency of 4.8e-05 in 231464 control chromosomes. This frequency is not significantly higher than estimated for a pathogenic variant in DCTN1 causing DCTN1-Related Disorders, allowing no conclusion about variant significance. To our knowledge, no occurrence of c.460C>T in individuals affected with DCTN1-Related Disorders and no experimental evidence demonstrating its impact on protein function have been reported. ClinVar contains an entry for this variant (Variation ID: 574723). Based on the evidence outlined above, the variant was classified as uncertain significance.

Fulgent Genetics
Classification: Uncertain significance for Amyotrophic lateral sclerosis type 1; Perry syndrome; Neuronopathy, distal hereditary motor, type 7B. Last evaluated: 2018-10-31. Review status: criteria provided, single submitter. Criteria: ACMG Guidelines, 2015. Collection method: clinical testing. Allele origin: unknown.

NM_004082.5(DCTN1):c.460C>T (p.Arg154Cys)

Gene: DCTN1 (dynactin subunit 1; minus strand). Cytogenetic location: 2p13.1.
Variant type: single nucleotide variant.
Coding change: c.460C>T on transcript NM_004082.5 (MANE Select); coding-DNA position 460, C replaced by T.
Protein change: p.Arg154Cys; replaces arginine 154 with cysteine.
Molecular consequence: missense variant. On other transcripts: non-coding transcript variant (1).
Genome position (GRCh38, 1-based): chr2:74,371,722, G>A on the plus strand (C>T on the coding strand, the complement: DCTN1 is on the minus strand). VCF-style: chr2-74371722-G-A. GRCh37 (hg19) VCF-style: chr2-74598849-G-A.
Other names: c.400C>T, p.Arg134Cys (NM_001135040.3); c.58C>T, p.Arg20Cys (NM_001135041.3, NM_023019.4); c.349C>T, p.Arg117Cys (NM_001190836.2); c.439C>T, p.Arg147Cys (NM_001190837.2); c.409C>T, p.Arg137Cys (NM_001378991.1); c.391C>T, p.Arg131Cys (NM_001378992.1); short protein forms R117C, R20C, R154C, R147C, R134C, R131C, R137C.
Identifiers: ClinVar variation 574723 (VCV000574723.20), dbSNP rs141670992, ClinGen allele CA1722392.
Genomic context (GRCh38, chr2:74,371,722, plus strand): 5'-ACGCTGAGCCAGAGGGGCCCAGGGAGCTACTGGCCCCAGCCACCCCAGTACTGGCTGGGC[G>A]CGTGGGCTATTCAGAAAGGGTAGAGGCAGACCAGAAAGAAAGCAGAGGATAGGGGTAGTA-3'
Protein context (NP_004073.2, residues 144-164): KTTTRRPKPT[Arg154Cys]PASTGVAGAS